The following is an entry in ClinVar:

NC_000014.8:g.(?_74959886)_(74959987_?)del

Gene: NPC2 (NPC intracellular cholesterol transporter 2; minus strand). Cytogenetic location: 14q24.3.
Variant type: Deletion.
Identifiers: ClinVar variation 1074431 (VCV001074431.5).

ClinVar aggregate classification (germline): Pathogenic (1 of 4 stars; one submission).

Conditions:
Niemann-Pick disease, type C2 (NPC2). Identifiers: Orphanet 646, MedGen C1843366, MONDO:0011873, OMIM 607625.

Submission:

Labcorp Genetics (formerly Invitae), Labcorp
Classification: Pathogenic for Niemann-Pick disease, type C2. Last evaluated: 2022-09-09. Review status: criteria provided, single submitter. Criteria: Invitae Variant Classification Sherloc (09022015). Collection method: clinical testing. Allele origin: germline.
Comment: This variant is a gross deletion of the genomic region encompassing exon(s) 1 of the NPC2 gene, which includes the initiator codon. This deletion extends beyond the assayed region for this gene and therefore may encompass additional genes. It is expected to result in an absent or disrupted protein product. Loss-of-function variants in NPC2 are known to be pathogenic (PMID: 25145893). This variant has not been reported in the literature in individuals affected with NPC2-related conditions. For these reasons, this variant has been classified as Pathogenic.

Literature cited by the submitters: PubMed 25145893.